The following is an entry in ClinVar:

NM_000152.5(GAA):c.316C>G (p.Arg106Gly)

Gene: GAA (alpha glucosidase; plus strand). Cytogenetic location: 17q25.3.
Variant type: single nucleotide variant.
Coding change: c.316C>G on transcript NM_000152.5 (MANE Select); coding-DNA position 316, C replaced by G.
Protein change: p.Arg106Gly; replaces arginine 106 with glycine.
Molecular consequence: missense variant.
Genome position (GRCh38, 1-based): chr17:80,104,902, C>G. VCF-style: chr17-80104902-C-G. GRCh37 (hg19) VCF-style: chr17-78078701-C-G.
Other names: c.316C>G, p.Arg106Gly (NM_001079803.3, NM_001079804.3); short protein forms R106G.
Identifiers: ClinVar variation 840775 (VCV000840775.10), dbSNP rs915675670, ClinGen allele CA401360724.

ClinVar aggregate classification (germline): Likely pathogenic (1 of 4 stars; one submission).

Conditions:
Glycogen storage disease, type II (IOPD). Also called: POMPE DISEASE, INFANTILE-ONSET; GLYCOGEN STORAGE DISEASE II, INFANTILE-ONSET; ACID ALPHA-GLUCOSIDASE DEFICIENCY, INFANTILE-ONSET; GAA DEFICIENCY, INFANTILE-ONSET; ACID MALTASE DEFICIENCY, INFANTILE-ONSET; GLYCOGENOSIS, GENERALIZED, CARDIAC FORM. Identifiers: Orphanet 365, MedGen C0017921, MONDO:0009290, OMIM 232300.

gnomAD v4.1: 5 of 1,612,428 alleles (0.00031%); highest among the groups gnomAD compares: South Asian, 0.0011%; no homozygotes.

Submission:

Labcorp Genetics (formerly Invitae), Labcorp
Classification: Likely pathogenic for Glycogen storage disease, type II. Last evaluated: 2023-08-04. Review status: criteria provided, single submitter. Criteria: Invitae Variant Classification Sherloc (09022015). Collection method: clinical testing. Allele origin: germline.
Comment: In summary, the currently available evidence indicates that the variant is pathogenic, but additional data are needed to prove that conclusively. Therefore, this variant has been classified as Likely Pathogenic. This variant disrupts the p.Arg106 amino acid residue in GAA. Other variant(s) that disrupt this residue have been determined to be pathogenic (PMID: 31076647). This suggests that this residue is clinically significant, and that variants that disrupt this residue are likely to be disease-causing. Advanced modeling of protein sequence and biophysical properties (such as structural, functional, and spatial information, amino acid conservation, physicochemical variation, residue mobility, and thermodynamic stability) performed at Invitae indicates that this missense variant is expected to disrupt GAA protein function. ClinVar contains an entry for this variant (Variation ID: 840775). This variant has not been reported in the literature in individuals affected with GAA-related conditions. This variant is not present in population databases (gnomAD no frequency). This sequence change replaces arginine, which is basic and polar, with glycine, which is neutral and non-polar, at codon 106 of the GAA protein (p.Arg106Gly).

Literature cited by the submitters: PubMed 31076647.